The following is an entry in ClinVar:

NM_001127511.3(APC):c.-56_-47dup

Gene: APC (APC regulator of Wnt signaling pathway; plus strand). Cytogenetic location: 5q22.2.
Variant type: Duplication.
Coding change: c.-56_-47dup on transcript NM_001127511.3; 56 bases upstream of the start codon through 47 bases upstream of the start codon, 10 bases duplicated (GCTGTTGGTG; older notation c.-56_-47dupGCTGTTGGTG).
Molecular consequence: 5 prime UTR variant. On other transcripts: non-coding transcript variant (1), intron variant (5).
Genome position (GRCh38, 1-based): chr5:112,707,662-112,707,671, GCTGTTGGTG duplicated; duplicating any 10 consecutive bases within chr5:112,707,660-112,707,671 gives the same sequence; the c. name uses the placement nearest the transcript's 3' end. VCF-style (leftmost placement, unchanged base first): chr5-112707659-T-TTGGCTGTTGG. GRCh37 (hg19) VCF-style: chr5-112043356-T-TTGGCTGTTGG.
Other names: c.-1274_-1265dup (NM_001407470.1, NM_001407472.1); c.-19+13_-19+22dup (NM_001407448.1, NM_001407450.1, NM_001407457.1 and 1 more transcripts); c.-43+13_-43+22dup (NM_001407453.1); c.-239_-230dup (NM_001354895.2, NM_001407447.1, NM_001407452.1 and 3 more transcripts); c.-56_-47dup (NM_001354897.2, NM_001354902.2, NM_001407446.1).
Identifiers: ClinVar variation 1010131 (VCV001010131.8), dbSNP rs1750594271, ClinGen allele CA1573442605.

ClinVar aggregate classification (germline): Uncertain significance (1 of 4 stars; one submission).

Conditions:
Familial adenomatous polyposis 1 (FAP1). Also called: FAMILIAL ADENOMATOUS POLYPOSIS 1, ATTENUATED; POLYPOSIS, ADENOMATOUS INTESTINAL. Identifiers: MedGen C2713442, MONDO:0021056, OMIM 175100. Disease mechanism: loss of function.

Submission:

Labcorp Genetics (formerly Invitae), Labcorp
Classification: Uncertain significance for Familial adenomatous polyposis 1. Last evaluated: 2021-09-01. Review status: criteria provided, single submitter. Criteria: Invitae Variant Classification Sherloc (09022015). Collection method: clinical testing. Allele origin: germline.
Comment: This variant occurs in a non-coding region of the APC gene. It does not change the encoded amino acid sequence of the APC protein. The frequency data for this variant in the population databases is considered unreliable, as metrics indicate insufficient coverage at this position in the ExAC database. This variant has not been reported in the literature in individuals affected with APC-related conditions. Experimental studies and prediction algorithms are not available or were not evaluated, and the functional significance of this variant is currently unknown. In summary, the available evidence is currently insufficient to determine the role of this variant in disease. Therefore, it has been classified as a Variant of Uncertain Significance.